The following is an entry in ClinVar:

ClinVar aggregate classification (germline): Pathogenic (1 of 4 stars; one submission).

Conditions:
Neurofibromatosis, type 1 (NF1). Also called: VON RECKLINGHAUSEN DISEASE; Neurofibromatosis, type I; NEUROFIBROMATOSIS, TYPE I, SOMATIC; Peripheral type neurofibromatosis. Identifiers: Orphanet 636, MedGen C0027831, MONDO:0018975, OMIM 162200. Disease mechanism: loss of function.

Submission:

Labcorp Genetics (formerly Invitae), Labcorp
Classification: Pathogenic for Neurofibromatosis, type 1. Last evaluated: 2022-03-21. Review status: criteria provided, single submitter. Criteria: Invitae Variant Classification Sherloc (09022015). Collection method: clinical testing. Allele origin: germline.
Comment: ClinVar contains an entry for this variant (Variation ID: 649614). This variant has not been reported in the literature in individuals affected with NF1-related conditions. This variant is not present in population databases (gnomAD no frequency). This sequence change creates a premature translational stop signal (p.Cys2195*) in the NF1 gene. It is expected to result in an absent or disrupted protein product. Loss-of-function variants in NF1 are known to be pathogenic (PMID: 10712197, 23913538). For these reasons, this variant has been classified as Pathogenic.

Literature cited by the submitters: PubMed 10712197; PubMed 23913538.

NM_001042492.3(NF1):c.6648C>A (p.Cys2216Ter)

Gene: NF1 (neurofibromin 1; plus strand). Cytogenetic location: 17q11.2.
Variant type: single nucleotide variant.
Coding change: c.6648C>A on transcript NM_001042492.3 (MANE Select); coding-DNA position 6648, C replaced by A.
Protein change: p.Cys2216Ter; replaces cysteine 2216 with a stop codon.
Molecular consequence: nonsense.
Genome position (GRCh38, 1-based): chr17:31,337,824, C>A. VCF-style: chr17-31337824-C-A. GRCh37 (hg19) VCF-style: chr17-29664842-C-A.
Other names: c.6585C>A, p.Cys2195Ter (NM_000267.4); short protein forms C2195*, C2216*.
Identifiers: ClinVar variation 649614 (VCV000649614.5), dbSNP rs1597844556, ClinGen allele CA399013680.